The following is an entry in ClinVar:

ClinVar aggregate classification (germline): Uncertain significance. Review status: criteria provided, multiple submitters, no conflicts (2 of 4 stars). 2 submissions from 2 submitters: Uncertain significance (2). Last evaluated 2023-08-27.

Conditions:
Inborn genetic diseases. Identifiers: MedGen C0950123, MeSH D030342.

Allele frequency attached by ClinVar (database versions not stated): gnomAD exomes below 0.00001; ExAC 0.00001; gnomAD 0.00001; TOPMed 0.00001.
gnomAD v4.1: 8 of 1,613,710 alleles (0.0005%); highest among the groups gnomAD compares: Non-Finnish European, 0.00068%; no homozygotes.

Submissions (2):

Labcorp Genetics (formerly Invitae), Labcorp
Classification: Uncertain significance. Last evaluated: 2023-08-27. Review status: criteria provided, single submitter. Criteria: Invitae Variant Classification Sherloc (09022015). Collection method: clinical testing. Allele origin: germline.
Comment: This sequence change replaces phenylalanine, which is neutral and non-polar, with serine, which is neutral and polar, at codon 2018 of the FLNB protein (p.Phe2018Ser). This variant is not present in population databases (gnomAD no frequency). This variant has not been reported in the literature in individuals affected with FLNB-related conditions. ClinVar contains an entry for this variant (Variation ID: 2484179). Advanced modeling of protein sequence and biophysical properties (such as structural, functional, and spatial information, amino acid conservation, physicochemical variation, residue mobility, and thermodynamic stability) performed at Invitae indicates that this missense variant is not expected to disrupt FLNB protein function. In summary, the available evidence is currently insufficient to determine the role of this variant in disease. Therefore, it has been classified as a Variant of Uncertain Significance.

Ambry Genetics
Classification: Uncertain significance for Inborn genetic diseases. Last evaluated: 2023-02-15. Review status: criteria provided, single submitter. Criteria: Ambry Variant Classification Scheme 2023. Collection method: clinical testing. Allele origin: germline.

NM_001457.4(FLNB):c.6053T>C (p.Phe2018Ser)

Gene: FLNB (filamin B; plus strand). Cytogenetic location: 3p14.3.
Variant type: single nucleotide variant.
Coding change: c.6053T>C on transcript NM_001457.4 (MANE Select); coding-DNA position 6053, T replaced by C.
Protein change: p.Phe2018Ser; replaces phenylalanine 2018 with serine.
Molecular consequence: missense variant.
Genome position (GRCh38, 1-based): chr3:58,148,814, T>C. VCF-style: chr3-58148814-T-C. GRCh37 (hg19) VCF-style: chr3-58134541-T-C.
Other names: c.6146T>C, p.Phe2049Ser (NM_001164317.2); c.6020T>C, p.Phe2007Ser (NM_001164318.2); c.5981T>C, p.Phe1994Ser (NM_001164319.2); short protein forms F2049S, F1994S, F2007S, F2018S.
Identifiers: ClinVar variation 2484179 (VCV002484179.5), dbSNP rs769668504, ClinGen allele CA2469233.